The following is an entry in ClinVar:

NM_004991.4(MECOM):c.1246A>T (p.Thr416Ser)

Gene: MECOM (MDS1 and EVI1 complex locus; minus strand). Cytogenetic location: 3q26.2.
Variant type: single nucleotide variant.
Coding change: c.1246A>T on transcript NM_004991.4 (MANE Select); coding-DNA position 1246, A replaced by T.
Protein change: p.Thr416Ser; replaces threonine 416 with serine.
Molecular consequence: missense variant. On other transcripts: intron variant (2).
Genome position (GRCh38, 1-based): chr3:169,116,626, T>A on the plus strand (A>T on the coding strand, the complement: MECOM is on the minus strand). VCF-style: chr3-169116626-T-A. GRCh37 (hg19) VCF-style: chr3-168834414-T-A.
Other names: c.877A>T, p.Thr293Ser (NM_001105077.4); c.682A>T, p.Thr228Ser (NM_001105078.4, NM_001164000.2, NM_001205194.2 and 4 more transcripts); c.685A>T, p.Thr229Ser (NM_001163999.2, NM_001366467.2, NM_001366468.2 and 1 more transcripts); c.1246A>T, p.Thr416Ser (NM_001366466.2); c.1133-859A>T (NM_001366473.2); c.569-859A>T (NM_001366474.2); short protein forms T416S, T293S, T228S, T229S.
Identifiers: ClinVar variation 4053201 (VCV004053201.1).

ClinVar aggregate classification (germline): Uncertain significance (1 of 4 stars; one submission).

Conditions:
Inborn genetic diseases. Identifiers: MedGen C0950123, MeSH D030342.

Submission:

Ambry Genetics
Classification: Uncertain significance for Inborn genetic diseases. Last evaluated: 2025-04-19. Review status: criteria provided, single submitter. Criteria: Ambry Variant Classification Scheme 2023. Collection method: clinical testing. Allele origin: germline.
Comment: The p.T416S variant (also known as c.1246A>T), located in coding exon 8 of the MECOM gene, results from an A to T substitution at nucleotide position 1246. The threonine at codon 416 is replaced by serine, an amino acid with similar properties. This amino acid position is conserved. In addition, this alteration is predicted to be tolerated by in silico analysis. Based on the available evidence, the clinical significance of this variant remains unclear.